The following is an entry in ClinVar:

NM_017739.4(POMGNT1):c.1226C>A (p.Ser409Tyr)

Genes: POMGNT1 (protein O-linked mannose N-acetylglucosaminyltransferase 1 (beta 1,2-); minus strand), TSPAN1 (tetraspanin 1; plus strand). Cytogenetic location: 1p34.1.
Variant type: single nucleotide variant.
Coding change: c.1226C>A on transcript NM_017739.4 (MANE Select); coding-DNA position 1226, C replaced by A.
Protein change: p.Ser409Tyr; replaces serine 409 with tyrosine.
Molecular consequence: missense variant.
Genome position (GRCh38, 1-based): chr1:46,192,576, G>T on the plus strand (C>A on the coding strand, the complement: POMGNT1 is on the minus strand). VCF-style: chr1-46192576-G-T. GRCh37 (hg19) VCF-style: chr1-46658248-G-T.
Other names: c.1226C>A, p.Ser409Tyr (NM_001243766.2, NM_001410783.1); c.1160C>A, p.Ser387Tyr (NM_001290129.3); c.797C>A, p.Ser266Tyr (NM_001290130.2); short protein forms S387Y, S266Y, S409Y.
Identifiers: ClinVar variation 1515634 (VCV001515634.3), dbSNP rs1259024068, ClinGen allele CA340176932.
Genomic context (GRCh38, chr1:46,192,576, plus strand): 5'-ACCTGGTCATTCCAGGCAGAGATGCAGTACAGGCTGTCATCCTCCTCCAGTAGGTGGATG[G>T]ATTGGCTCAGGAAACTGAGAGAGGCAGGGTCAAAGAGTTCAGGGAGGGACAAGGATAAAT-3'
Protein context (NP_060209.4, residues 399-419): AVDFFSFLSQ[Ser409Tyr]IHLLEEDDSL

ClinVar aggregate classification (germline): Uncertain significance (1 of 4 stars; one submission).

Conditions:
Autosomal recessive limb-girdle muscular dystrophy type 2O. Also called: Limb-Girdle Muscular Dystrophy Type 3C; MUSCULAR DYSTROPHY-DYSTROGLYCANOPATHY (LIMB-GIRDLE), TYPE C, 3; MUSCULAR DYSTROPHY-DYSTROGLYCANOPATHY, LIMB-GIRDLE, POMGNT1-RELATED. Identifiers: Orphanet 206564, MedGen C3150417, MONDO:0013161, OMIM 613157.
Muscular dystrophy-dystroglycanopathy (congenital with impaired intellectual development), type B, 3. Also called: Muscular dystrophy-dystroglycanopathy (congenital with intellectual disability), type B3; MUSCULAR DYSTROPHY, CONGENITAL, POMGNT1-RELATED. Identifiers: MedGen C3150412, MONDO:0013155, OMIM 613151.

Allele frequency attached by ClinVar (database versions not stated): gnomAD exomes below 0.00001.
gnomAD v4.1: 1 of 1,614,126 alleles (0.000062%); highest among the groups gnomAD compares: East Asian, 0.0022%; no homozygotes.

Submission:

Labcorp Genetics (formerly Invitae), Labcorp
Classification: Uncertain significance for Autosomal recessive limb-girdle muscular dystrophy type 2O; Muscular dystrophy-dystroglycanopathy (congenital with impaired intellectual development), type B, 3. Last evaluated: 2021-12-09. Review status: criteria provided, single submitter. Criteria: Invitae Variant Classification Sherloc (09022015). Collection method: clinical testing. Allele origin: germline.
Comment: This sequence change replaces serine, which is neutral and polar, with tyrosine, which is neutral and polar, at codon 409 of the POMGNT1 protein (p.Ser409Tyr). This variant is present in population databases (no rsID available, gnomAD 0.006%). This variant has not been reported in the literature in individuals affected with POMGNT1-related conditions. Advanced modeling of protein sequence and biophysical properties (such as structural, functional, and spatial information, amino acid conservation, physicochemical variation, residue mobility, and thermodynamic stability) performed at Invitae indicates that this missense variant is not expected to disrupt POMGNT1 protein function. In summary, the available evidence is currently insufficient to determine the role of this variant in disease. Therefore, it has been classified as a Variant of Uncertain Significance.